The following is an entry in ClinVar:

ClinVar aggregate classification (germline): Conflicting classifications of pathogenicity. Review status: criteria provided, conflicting classifications (1 of 4 stars). 16 submissions from 16 submitters: Uncertain significance (2); Likely benign (10). 4 of the submissions do not count toward it. Last evaluated 2026-01-27.

Conditions:
CFTR-related disorder (CFTR-RD). Also called: CFTR-related disorders; CFTR-related condition. Identifiers: MedGen C5924204, MONDO:7770004.
Cystic fibrosis (CF). Also called: MUCOVISCIDOSIS. Identifiers: Orphanet 586, MedGen C0010674, MONDO:0009061, OMIM 219700. Disease mechanism: loss of function.

Allele frequency attached by ClinVar (database versions not stated): ExAC 0.00018; gnomAD 0.00028 and 0.00029; TOPMed 0.00034; ESP Exome Variant Server 0.00054.
gnomAD v4.1: 721 of 1,613,382 alleles (0.045%); highest among the groups gnomAD compares: Non-Finnish European, 0.053%; no homozygotes.

Submissions (16):

Labcorp Genetics (formerly Invitae), Labcorp
Classification: Likely benign for Cystic fibrosis. Last evaluated: 2026-01-27. Review status: criteria provided, single submitter. Criteria: Invitae Variant Classification Sherloc (09022015). Collection method: clinical testing. Allele origin: germline.

ARUP Laboratories, Molecular Genetics and Genomics, ARUP Laboratories
Classification: Likely benign. Last evaluated: 2025-03-13. Review status: criteria provided, single submitter. Criteria: ARUP Molecular Germline Variant Investigation Process 2024. Collection method: clinical testing. Allele origin: germline.

Blueprint Genetics
Classification: Likely benign. Last evaluated: 2024-11-06. Review status: criteria provided, single submitter. Criteria: ACMG Guidelines, 2015. Collection method: clinical testing. Allele origin: germline.

Johns Hopkins Genomics, Johns Hopkins University
Classification: Likely benign for Cystic fibrosis. Last evaluated: 2024-07-12. Review status: criteria provided, single submitter. Criteria: ACMG Guidelines, 2015. Collection method: clinical testing. Allele origin: germline.
Comment: PM2, BP4, BP7

CeGaT Center for Human Genetics Tuebingen
Classification: Likely benign. Last evaluated: 2022-11-01. Review status: criteria provided, single submitter. Criteria: CeGaT Center For Human Genetics Tuebingen Variant Classification Criteria Version 2. Collection method: clinical testing. Allele origin: germline. Affected: yes. Observed: 1 variant allele.
Comment: CFTR: BP4, BP7

GeneDx
Classification: Likely benign. Last evaluated: 2020-11-29. Review status: criteria provided, single submitter. Criteria: GeneDx Variant Classification Process June 2021. Collection method: clinical testing. Allele origin: germline. Affected: yes.
Comment: This variant is associated with the following publications: (PMID: 16251901, 15536480)

Women's Health and Genetics/Laboratory Corporation of America, LabCorp
Classification: Likely benign. Last evaluated: 2020-11-20. Review status: criteria provided, single submitter. Criteria: LabCorp Variant Classification Summary - May 2015. Collection method: clinical testing. Allele origin: germline.

Quest Diagnostics Nichols Institute San Juan Capistrano
Classification: Likely benign. Last evaluated: 2020-04-10. Review status: criteria provided, single submitter. Criteria: Quest Diagnostics criteria. Collection method: clinical testing. Allele origin: unknown.

Eurofins Ntd Llc (ga)
Classification: Uncertain significance. Last evaluated: 2018-01-23. Review status: criteria provided, single submitter. Criteria: EGL Classification Definitions 2015. Collection method: clinical testing. Allele origin: germline. Observed: 3 variant alleles, 3 heterozygotes.

Illumina Laboratory Services, Illumina
Classification: Uncertain significance for CFTR-Related Disorders. Last evaluated: 2018-01-13. Review status: criteria provided, single submitter. Criteria: ICSL Variant Classification Criteria 13 December 2019. Collection method: clinical testing. Allele origin: germline.

Ambry Genetics
Classification: Likely benign for Cystic fibrosis. Last evaluated: 2015-07-23. Review status: criteria provided, single submitter. Criteria: Ambry Variant Classification Scheme 2023. Collection method: clinical testing. Allele origin: germline.

PreventionGenetics, part of Exact Sciences
Classification: Likely benign. Review status: criteria provided, single submitter. Criteria: ACMG Guidelines, 2015. Collection method: clinical testing. Allele origin: germline.

Natera, Inc.
Classification: Uncertain significance for Cystic Fibrosis. Last evaluated: 2017-08-10. Review status: no assertion criteria provided. Collection method: clinical testing. Allele origin: germline. Not counted in ClinVar's aggregate classification.

Counsyl
Classification: Likely benign for Cystic fibrosis. Last evaluated: 2014-08-12. Review status: no assertion criteria provided. Collection method: literature only. Allele origin: unknown. Inheritance: Autosomal recessive inheritance. Not counted in ClinVar's aggregate classification.

Clinical Genetics DNA and cytogenetics Diagnostics Lab, Erasmus MC, Erasmus Medical Center
Classification: Likely benign. Review status: no assertion criteria provided. Collection method: clinical testing. Allele origin: germline. Affected: yes. Study: VKGL Data-share Consensus. Not counted in ClinVar's aggregate classification.

Genome Diagnostics Laboratory, University Medical Center Utrecht
Classification: Likely benign. Review status: no assertion criteria provided. Collection method: clinical testing. Allele origin: germline. Affected: yes. Study: VKGL Data-share Consensus. Not counted in ClinVar's aggregate classification.

Literature cited by the submitters: PubMed 34782259 (cited by Johns Hopkins Genomics, Johns Hopkins University); PubMed 8644755 (cited by Johns Hopkins Genomics, Johns Hopkins University and Women's Health and Genetics/Laboratory Corporation of America, LabCorp); PubMed 9921909 (cited by 3 submitters); PubMed 10746558 (cited by 3 submitters); PubMed 15536480 (cited by 3 submitters); PubMed 16251901 (cited by Women's Health and Genetics/Laboratory Corporation of America, LabCorp); PubMed 10571949 (cited by 3 submitters); PubMed 22664493 (cited by Women's Health and Genetics/Laboratory Corporation of America, LabCorp); PubMed 25735457 (cited by Women's Health and Genetics/Laboratory Corporation of America, LabCorp).

NM_000492.4(CFTR):c.3558A>G (p.Gln1186=)

Genes: CFTR (CF transmembrane conductance regulator; plus strand), CFTR-AS2 (CFTR antisense RNA 2; minus strand). Cytogenetic location: 7q31.2.
Variant type: single nucleotide variant.
Coding change: c.3558A>G on transcript NM_000492.4 (MANE Select); coding-DNA position 3558, A replaced by G.
Protein change: p.Gln1186=; no amino-acid change (glutamine 1186 retained).
Molecular consequence: synonymous variant.
Genome position (GRCh38, 1-based): chr7:117,627,611, A>G. VCF-style: chr7-117627611-A-G. GRCh37 (hg19) VCF-style: chr7-117267665-A-G.
Identifiers: ClinVar variation 35869 (VCV000035869.63), dbSNP rs1800121, ClinGen allele CA260235.